The following is an entry in ClinVar:

ClinVar aggregate classification (germline): Pathogenic. Review status: criteria provided, single submitter (1 of 4 stars). 2 submissions from 2 submitters: Pathogenic (1). 1 of the submissions does not count toward it. Last evaluated 2025-08-29.

Conditions:
Primary ciliary dyskinesia. Also called: Ciliary dyskinesia. Identifiers: Orphanet 244, MedGen C0008780, MONDO:0016575, HP:0012265.

Submissions (2):

Labcorp Genetics (formerly Invitae), Labcorp
Classification: Pathogenic for Primary ciliary dyskinesia. Last evaluated: 2025-08-29. Review status: criteria provided, single submitter. Criteria: Invitae Variant Classification Sherloc (09022015). Collection method: clinical testing. Allele origin: germline.
Comment: This sequence change creates a premature translational stop signal (p.Gln155Thrfs*12) in the RSPH4A gene. It is expected to result in an absent or disrupted protein product. Loss-of-function variants in RSPH4A are known to be pathogenic (PMID: 19200523). This variant is not present in population databases (gnomAD no frequency). This premature translational stop signal has been observed in individual(s) with primary ciliary dyskinesia (PMID: 23993197). ClinVar contains an entry for this variant (Variation ID: 2417260). For these reasons, this variant has been classified as Pathogenic.

Sezerman Lab, Dept of Biostatistics and Bioinformatics, Acibadem Mehmet Ali Aydinlar University
Classification: Pathogenic for Primary Ciliary Dyskinesia. Last evaluated: 2023-08-16. Review status: no assertion criteria provided. Collection method: case-control, research. Allele origin: inherited. Inheritance: Autosomal recessive inheritance. Affected: yes. Observed: 6 variant alleles, 6 homozygotes. Not counted in ClinVar's aggregate classification.

Literature cited by the submitters: PubMed 19200523 (cited by Labcorp Genetics (formerly Invitae), Labcorp); PubMed 23993197 (cited by Labcorp Genetics (formerly Invitae), Labcorp).

NM_001010892.3(RSPH4A):c.462_469del (p.Gln155fs)

Gene: RSPH4A (radial spoke head component 4A; plus strand). Cytogenetic location: 6q22.1.
Variant type: Deletion.
Coding change: c.462_469del on transcript NM_001010892.3 (MANE Select); coding-DNA positions 462 to 469, 8 bases deleted (GCAACCCA; older notation c.462_469delGCAACCCA).
Protein change: p.Gln155fs; shifts the reading frame from glutamine 155.
Molecular consequence: frameshift variant.
Genome position (GRCh38, 1-based): chr6:116,617,085-116,617,092, GCAACCCA deleted; deleting any 8 consecutive bases within chr6:116,617,083-116,617,092 gives the same sequence; the c. name uses the placement nearest the transcript's 3' end. VCF-style (leftmost placement, unchanged base first): chr6-116617082-TCAGCAACC-T. GRCh37 (hg19) VCF-style: chr6-116938245-TCAGCAACC-T.
Other names: c.462_469del, p.Gln155fs (NM_001161664.2); short protein forms Q155fs.
Identifiers: ClinVar variation 2417260 (VCV002417260.26), dbSNP rs1428623016, ClinGen allele CA817710095.